The following is an entry in ClinVar:

NM_001042492.3(NF1):c.1134C>G (p.Asp378Glu)

Gene: NF1 (neurofibromin 1; plus strand). Cytogenetic location: 17q11.2.
Variant type: single nucleotide variant.
Coding change: c.1134C>G on transcript NM_001042492.3 (MANE Select); coding-DNA position 1134, C replaced by G.
Protein change: p.Asp378Glu; replaces aspartic acid 378 with glutamic acid.
Molecular consequence: missense variant.
Genome position (GRCh38, 1-based): chr17:31,201,108, C>G. VCF-style: chr17-31201108-C-G. GRCh37 (hg19) VCF-style: chr17-29528126-C-G.
Other names: c.1134C>G, p.Asp378Glu (NM_000267.4, NM_001128147.3); short protein forms D378E.
Identifiers: ClinVar variation 577232 (VCV000577232.7), dbSNP rs781367679, ClinGen allele CA398997043.

ClinVar aggregate classification (germline): Uncertain significance (1 of 4 stars; one submission).

Conditions:
Neurofibromatosis, type 1 (NF1). Also called: Peripheral type neurofibromatosis; Neurofibromatosis, type I; VON RECKLINGHAUSEN DISEASE; NEUROFIBROMATOSIS, TYPE I, SOMATIC. Identifiers: Orphanet 636, MedGen C0027831, MONDO:0018975, OMIM 162200. Disease mechanism: loss of function.

gnomAD v4.1: 1 of 1,614,112 alleles (0.000062%); highest among the groups gnomAD compares: Non-Finnish European, 0.000085%; no homozygotes.

Submission:

Labcorp Genetics (formerly Invitae), Labcorp
Classification: Uncertain significance for Neurofibromatosis, type 1. Last evaluated: 2025-07-03. Review status: criteria provided, single submitter. Criteria: Invitae Variant Classification Sherloc (09022015). Collection method: clinical testing. Allele origin: germline.
Comment: This sequence change replaces aspartic acid, which is acidic and polar, with glutamic acid, which is acidic and polar, at codon 378 of the NF1 protein (p.Asp378Glu). This variant is not present in population databases (gnomAD no frequency). This variant has not been reported in the literature in individuals affected with NF1-related conditions. ClinVar contains an entry for this variant (Variation ID: 577232). Invitae Evidence Modeling of protein sequence and biophysical properties (such as structural, functional, and spatial information, amino acid conservation, physicochemical variation, residue mobility, and thermodynamic stability) indicates that this missense variant is not expected to disrupt NF1 protein function with a negative predictive value of 95%. In summary, the available evidence is currently insufficient to determine the role of this variant in disease. Therefore, it has been classified as a Variant of Uncertain Significance.